The following is an entry in ClinVar:

ClinVar aggregate classification (germline): Uncertain significance (1 of 4 stars; one submission).

Submission:

Dasa
Classification: Uncertain significance. Last evaluated: 2024-11-08. Review status: criteria provided, single submitter. Criteria: DASA Assertion Criteria. Collection method: clinical testing. Allele origin: germline.
Comment: NM_001348800.3(ZBTB20):c.69G>T (p.Gln23His) is a missense variant that results in the substitution of glutamine with histidine. This variant is absent from population databases. Computational prediction algorithms are consistent with a benign effect. The currently available literature and clinical evidence are not sufficient to establish a definitive association between this variant and the reported condition. Therefore, this variant is classified as a variant of uncertain significance.

NM_001348800.3(ZBTB20):c.69G>T (p.Gln23His)

Genes: ZBTB20 (zinc finger and BTB domain containing 20; minus strand), ZBTB20-AS1 (ZBTB20 antisense RNA 1; plus strand). Cytogenetic location: 3q13.31.
Variant type: single nucleotide variant.
Coding change: c.69G>T on transcript NM_001348800.3 (MANE Select); coding-DNA position 69, G replaced by T.
Protein change: p.Gln23His; replaces glutamine 23 with histidine.
Molecular consequence: missense variant. On other transcripts: 5 prime UTR variant (12), non-coding transcript variant (1).
Genome position (GRCh38, 1-based): chr3:114,380,347, C>A on the plus strand (G>T on the coding strand, the complement: ZBTB20 is on the minus strand). VCF-style: chr3-114380347-C-A. GRCh37 (hg19) VCF-style: chr3-114099194-C-A.
Other names: c.69G>T, p.Gln23His (NM_001164342.2, NM_001348803.3, NM_001393393.1 and 1 more transcripts); c.-151G>T (NM_001164343.2, NM_001164344.4, NM_001164345.4 and 9 more transcripts); short protein forms Q23H.
Identifiers: ClinVar variation 4885425 (VCV004885425.2).